The following is an entry in ClinVar:

ClinVar aggregate classification (germline): Uncertain significance. Review status: criteria provided, multiple submitters, no conflicts (2 of 4 stars). 2 submissions from 2 submitters: Uncertain significance (2). Last evaluated 2025-01-14.

Conditions:
Myofibrillar myopathy 6. Identifiers: Orphanet 199340, MedGen C2751831, MONDO:0013061, OMIM 612954.
Dilated cardiomyopathy 1HH (CMD1HH). Identifiers: Orphanet 154, MedGen C3151293, MONDO:0013479, OMIM 613881.

Submissions (2):

Dasa
Classification: Uncertain significance. Last evaluated: 2025-01-14. Review status: criteria provided, single submitter. Criteria: DASA Assertion Criteria. Collection method: clinical testing. Allele origin: germline.
Comment: NM_004281.4(BAG3):c.875C>G (p.Pro292Arg) is a missense variant that results in the substitution of proline with arginine. This variant is absent from population databases. The currently available literature and clinical evidence are not sufficient to establish a definitive association between this variant and the reported condition. Therefore, this variant is classified as a variant of uncertain significance.

Labcorp Genetics (formerly Invitae), Labcorp
Classification: Uncertain significance for Dilated cardiomyopathy 1HH; Myofibrillar myopathy 6. Last evaluated: 2022-03-14. Review status: criteria provided, single submitter. Criteria: Invitae Variant Classification Sherloc (09022015). Collection method: clinical testing. Allele origin: germline.
Comment: This sequence change replaces proline, which is neutral and non-polar, with arginine, which is basic and polar, at codon 292 of the BAG3 protein (p.Pro292Arg). In summary, the available evidence is currently insufficient to determine the role of this variant in disease. Therefore, it has been classified as a Variant of Uncertain Significance. Algorithms developed to predict the effect of missense changes on protein structure and function are either unavailable or do not agree on the potential impact of this missense change (SIFT: "Tolerated"; PolyPhen-2: "Probably Damaging"; Align-GVGD: "Class C0"). This variant has not been reported in the literature in individuals affected with BAG3-related conditions. This variant is not present in population databases (gnomAD no frequency).

NM_004281.4(BAG3):c.875C>G (p.Pro292Arg)

Gene: BAG3 (BAG cochaperone 3; plus strand). Cytogenetic location: 10q26.11.
Variant type: single nucleotide variant.
Coding change: c.875C>G on transcript NM_004281.4 (MANE Select); coding-DNA position 875, C replaced by G.
Protein change: p.Pro292Arg; replaces proline 292 with arginine.
Molecular consequence: missense variant.
Genome position (GRCh38, 1-based): chr10:119,672,622, C>G. VCF-style: chr10-119672622-C-G. GRCh37 (hg19) VCF-style: chr10-121432134-C-G.
Other names: short protein forms P292R.
Identifiers: ClinVar variation 1505893 (VCV001505893.8), dbSNP rs748451757, ClinGen allele CA378296038.